The following is an entry in ClinVar:

NM_001003787.4(STRADA):c.792T>A (p.Ser264Arg)

Gene: STRADA (STE20 related adaptor alpha; minus strand). Cytogenetic location: 17q23.3.
Variant type: single nucleotide variant.
Coding change: c.792T>A on transcript NM_001003787.4 (MANE Select); coding-DNA position 792, T replaced by A.
Protein change: p.Ser264Arg; replaces serine 264 with arginine.
Molecular consequence: missense variant. On other transcripts: non-coding transcript variant (1).
Genome position (GRCh38, 1-based): chr17:63,706,701, A>T on the plus strand (T>A on the coding strand, the complement: STRADA is on the minus strand). VCF-style: chr17-63706701-A-T. GRCh37 (hg19) VCF-style: chr17-61784061-A-T.
Other names: c.681T>A, p.Ser227Arg (NM_001003786.3, NM_001363789.1, NM_153335.6); c.618T>A, p.Ser206Arg (NM_001003788.3, NM_001363790.1, NM_001363791.1); c.705T>A, p.Ser235Arg (NM_001165969.2, NM_001363787.1); c.660T>A, p.Ser220Arg (NM_001165970.2); c.768T>A, p.Ser256Arg (NM_001363786.1); c.792T>A, p.Ser264Arg (NM_001363788.1); short protein forms S264R, S256R, S206R, S235R, S227R, S220R.
Identifiers: ClinVar variation 374250 (VCV000374250.4), dbSNP rs1057519011, ClinGen allele CA16043633.

ClinVar aggregate classification (germline): Uncertain significance. Review status: criteria provided, single submitter (1 of 4 stars). 3 submissions from 3 submitters: Uncertain significance (1). 2 of the submissions do not count toward it. Last evaluated 2022-05-22.

Conditions:
Polyhydramnios. Also called: Polyhydramnios (disease); Hydramnios. Identifiers: MedGen C0020224, MONDO:0004585, HP:0001561.
intellectual deficiency. Identifiers: MedGen CN228659.
Epilepsy. Also called: Seizure disorder. Identifiers: MedGen C0014544, MeSH D004827, MONDO:0005027.
Polyhydramnios, megalencephaly, and symptomatic epilepsy (PMSE). Also called: PMSE SYNDROME. Identifiers: Orphanet 500533, MedGen C1970203, MONDO:0012611, OMIM 611087.

Submissions (3):

3billion
Classification: Uncertain significance for Polyhydramnios, megalencephaly, and symptomatic epilepsy. Last evaluated: 2022-05-22. Review status: criteria provided, single submitter. Criteria: ACMG Guidelines, 2015. Collection method: clinical testing. Allele origin: germline. Affected: yes. Observed: 1 homozygote.
Comment: The variant is not observed in the gnomAD v2.1.1 dataset. In silico tool predictions suggest damaging effect of the variant on gene or gene product (REVEL: 0.78; 3Cnet: 0.47). Same nucleotide change resulting in same amino acid change has been previously reported to be associated with STRADA related disorder (ClinVar ID: VCV000374250). However, the evidence of pathogenicity is insufficient at this time. Therefore, this variant is classified as uncertain significanceaccording to the recommendation of ACMG/AMP guideline.

OMIM
Classification: Pathogenic for POLYHYDRAMNIOS, MEGALENCEPHALY, AND SYMPTOMATIC EPILEPSY. Last evaluated: 2021-09-16. Review status: no assertion criteria provided. Collection method: literature only. Allele origin: germline. Not counted in ClinVar's aggregate classification.

Laboratory of Molecular Genetics, CHU Rennes
Classification: Uncertain significance for Intellectual deficiency; epilepsy; hydramnios. Review status: no assertion criteria provided. Collection method: clinical testing. Allele origin: unknown. Affected: yes. Not counted in ClinVar's aggregate classification.

Literature cited by the submitters: PubMed 33605605 (cited by OMIM).